The following is an entry in ClinVar:

ClinVar aggregate classification (germline): Pathogenic (0 of 4 stars; one submission).

Conditions:
Duchenne muscular dystrophy (DMD). Also called: Duchenne Muscular Dystrophy (DMD); MUSCULAR DYSTROPHY, PSEUDOHYPERTROPHIC PROGRESSIVE, DUCHENNE TYPE. Identifiers: Orphanet 98896, MedGen C0013264, MONDO:0010679, OMIM 310200.

Submission:

Solve-RD Consortium
Classification: Pathogenic for Duchenne muscular dystrophy. Last evaluated: 2024-09-01. Review status: no assertion criteria provided. Collection method: provider interpretation. Allele origin: unknown. Affected: yes. Study: Solve-RD Consortium.
Comment: The variant is a 14.7 Mb X-chromosomal inversion breaking DMD in intron 1 and NHS in intron 44. Variants in DMD are a well-described and extensively characterized cause of Duchenne muscular dystrophy. The genes have opposite orientations on the chromosome and the inversion results in two theoretical fusion genes in which the exon orientation is conserved, however, neither theoretical gene product is in frame much past the fusion breakpoint and thus no functional DMD protein is expressed. This SV was confirmed by the submitting clinician to impact a gene that corresponds with the phenotype of the affected individual, and thus deemed to be causative for their condition.

Single allele

Genes: EIF2S3 (eukaryotic translation initiation factor 2 subunit gamma; plus strand), PHKA2 (phosphorylase kinase regulatory subunit alpha 2; minus strand), PHKA2-AS1 (PHKA2 antisense RNA 1; plus strand), POLA1 (DNA polymerase alpha 1, catalytic subunit; plus strand), PRDX4 (peroxiredoxin 4; plus strand) and 213 more. Cytogenetic location: Xp22.2-21.1.
Variant type: Inversion.
Identifiers: ClinVar variation 3764742 (VCV003764742.1).